The following is an entry in ClinVar:

ClinVar aggregate classification (germline): Likely pathogenic. Review status: reviewed by expert panel (3 of 4 stars). 3 submissions from 3 submitters: Likely pathogenic (1). 2 of the submissions do not count toward it. Last evaluated 2018-12-10.

Conditions:
Phenylketonuria (PKU). Also called: OLIGOPHRENIA PHENYLPYRUVICA; Phenylketonurias; FOLLING DISEASE; Phenylketonuria (PKU). Identifiers: Orphanet 716, MedGen C0031485, MONDO:0009861, OMIM 261600. Disease mechanism: loss of function.

Submissions (3):

ClinGen PAH Variant Curation Expert Panel
Classification: Likely pathogenic for Phenylketonuria. Last evaluated: 2018-12-10. Review status: reviewed by expert panel. Criteria: ClinGen PAH ACMG Specifications v1. Collection method: curation. Allele origin: germline. Inheritance: Autosomal recessive inheritance.
Comment: The c.803A>G (p.Tyr268Cys) variant in PAH has been reported in 1 individual with hyperphenylalaninemia (BH4 deficiency excluded) and was detected with pathogenic variant p.Glu178Gly. (PP4_Moderate, PM3; PMID: 26481238). This variant is absent in population databases (PM2). Computational evidence support a deleterious effect (PP3). In summary, this variant meets criteria to be classified as likely pathogenic for PAH. PAH-specific ACMG/AMP criteria applied: PP4_Moderate, PM2, PM3, PP3.

Women's Health and Genetics/Laboratory Corporation of America, LabCorp
Classification: Pathogenic for Phenylketonuria. Last evaluated: 2025-10-07. Review status: criteria provided, single submitter. Criteria: LabCorp Variant Classification Summary - May 2015. Collection method: clinical testing. Allele origin: germline. Not counted in ClinVar's aggregate classification.
Comment: Variant summary: PAH c.803A>G (p.Tyr268Cys) results in a non-conservative amino acid change in the encoded protein sequence. Algorithms developed to predict the effect of missense changes on protein structure and function all suggest that this variant is likely to be disruptive. The variant was absent in 251356 control chromosomes. c.803A>G has been observed in multiple compound heterozygous or homozygous individuals affected with Phenylalanine Hydroxylase Deficiency (Phenylketonuria) (e.g. Gemperle-Britschgi_2016, Shirzadeh_2018). These data indicate that the variant is very likely to be associated with disease. To our knowledge, no experimental evidence demonstrating an impact on protein function has been reported. The following publications have been ascertained in the context of this evaluation (PMID: 26481238, 30159852). ClinVar contains an entry for this variant (Variation ID: 619165). Based on the evidence outlined above, the variant was classified as pathogenic.

Labcorp Genetics (formerly Invitae), Labcorp
Classification: Pathogenic for Phenylketonuria. Last evaluated: 2022-10-16. Review status: criteria provided, single submitter. Criteria: Invitae Variant Classification Sherloc (09022015). Collection method: clinical testing. Allele origin: germline. Not counted in ClinVar's aggregate classification.
Comment: For these reasons, this variant has been classified as Pathogenic. Advanced modeling of protein sequence and biophysical properties (such as structural, functional, and spatial information, amino acid conservation, physicochemical variation, residue mobility, and thermodynamic stability) performed at Invitae indicates that this missense variant is expected to disrupt PAH protein function. ClinVar contains an entry for this variant (Variation ID: 619165). This missense change has been observed in individual(s) with phenylketonuria (PMID: 26481238, 32668217). This variant is not present in population databases (gnomAD no frequency). This sequence change replaces tyrosine, which is neutral and polar, with cysteine, which is neutral and slightly polar, at codon 268 of the PAH protein (p.Tyr268Cys).

Literature cited by the submitters: PubMed 26481238 (cited by 3 submitters); PubMed 30159852 (cited by Women's Health and Genetics/Laboratory Corporation of America, LabCorp); PubMed 32668217 (cited by Labcorp Genetics (formerly Invitae), Labcorp).

NM_000277.3(PAH):c.803A>G (p.Tyr268Cys)

Gene: PAH (phenylalanine hydroxylase; minus strand). Cytogenetic location: 12q23.2.
Variant type: single nucleotide variant.
Coding change: c.803A>G on transcript NM_000277.3 (MANE Select); coding-DNA position 803, A replaced by G.
Protein change: p.Tyr268Cys; replaces tyrosine 268 with cysteine.
Molecular consequence: missense variant.
Genome position (GRCh38, 1-based): chr12:102,852,854, T>C on the plus strand (A>G on the coding strand, the complement: PAH is on the minus strand). VCF-style: chr12-102852854-T-C. GRCh37 (hg19) VCF-style: chr12-103246632-T-C.
Other names: c.803A>G, p.Tyr268Cys (NM_001354304.2); short protein forms Y268C.
Identifiers: ClinVar variation 619165 (VCV000619165.7), dbSNP rs1565846805, ClinGen allele CA16020863.